The following is an entry in ClinVar:

NM_024757.5(EHMT1):c.1249-9G>T

Gene: EHMT1 (euchromatic histone lysine methyltransferase 1; plus strand). Cytogenetic location: 9q34.3.
Variant type: single nucleotide variant.
Coding change: c.1249-9G>T on transcript NM_024757.5 (MANE Select); 9 bases into the intron before coding-DNA position 1249, G replaced by T.
Molecular consequence: intron variant.
Genome position (GRCh38, 1-based): chr9:137,754,162, G>T. VCF-style: chr9-137754162-G-T. GRCh37 (hg19) VCF-style: chr9-140648614-G-T.
Other names: p.?; c.1228-9G>T (NM_001354263.2); c.1156-9G>T (NM_001354259.2, NM_001354612.2); c.1249-9G>T (NM_001145527.2, NM_001354611.2).
Identifiers: ClinVar variation 366006 (VCV000366006.19), dbSNP rs73669157, ClinGen allele CA5374561.
Genomic context (GRCh38, chr9:137,754,162, plus strand): 5'-TGTAGTGCTCTTGCCTTCCGTAGCTTCCTGTGCTTAGTGGTTTATATGCCTGCCCGTTTG[G>T]TTCTCCAGAGTTCGGAATCCAGCATTAAGAAGAAATTTCTCAAGAGGAAAGGAAAGACCG-3'

ClinVar aggregate classification (germline): Benign/Likely benign. Review status: criteria provided, multiple submitters, no conflicts (2 of 4 stars). 6 submissions from 6 submitters: Benign (4); Likely benign (2). Last evaluated 2026-02-03.

Conditions:
Kleefstra syndrome 1 (KLEFS1). Identifiers: Orphanet 261494, MedGen C0795833, MONDO:0027407, OMIM 610253.

Allele frequency attached by ClinVar (database versions not stated): gnomAD 0.00527 and 0.00552; TOPMed 0.00558; 1000 Genomes Project 30x 0.00578; ESP Exome Variant Server 0.00584; 1000 Genomes Project 0.00599.
gnomAD v4.1: 2,230 of 1,614,072 alleles (0.14%); highest among the groups gnomAD compares: African/African-American, 1.6%; 14 homozygotes.

Submissions (6):

Labcorp Genetics (formerly Invitae), Labcorp
Classification: Benign for Kleefstra syndrome 1. Last evaluated: 2026-02-03. Review status: criteria provided, single submitter. Criteria: Invitae Variant Classification Sherloc (09022015). Collection method: clinical testing. Allele origin: germline.

Mayo Clinic Laboratories, Mayo Clinic
Classification: Benign. Last evaluated: 2025-10-17. Review status: criteria provided, single submitter. Criteria: ACMG Guidelines, 2015. Collection method: clinical testing. Allele origin: germline. Observed: 2 variant alleles.
Comment: BA1, BP4

Blueprint Genetics
Classification: Likely benign. Last evaluated: 2024-11-11. Review status: criteria provided, single submitter. Criteria: ACMG Guidelines, 2015. Collection method: clinical testing. Allele origin: germline.

ARUP Laboratories, Molecular Genetics and Genomics, ARUP Laboratories
Classification: Benign for Kleefstra syndrome 1. Last evaluated: 2024-10-11. Review status: criteria provided, single submitter. Criteria: ARUP Molecular Germline Variant Investigation Process 2024. Collection method: clinical testing. Allele origin: germline.

Fulgent Genetics
Classification: Likely benign for Kleefstra syndrome 1. Last evaluated: 2021-08-06. Review status: criteria provided, single submitter. Criteria: ACMG Guidelines, 2015. Collection method: clinical testing. Allele origin: unknown.

GeneDx
Classification: Benign. Last evaluated: 2019-08-21. Review status: criteria provided, single submitter. Criteria: GeneDx Variant Classification Process June 2021. Collection method: clinical testing. Allele origin: germline. Affected: yes.